The following is an entry in ClinVar:

NM_003126.4(SPTA1):c.6789-19_6789-18dup

Gene: SPTA1 (spectrin alpha, erythrocytic 1; minus strand). Cytogenetic location: 1q23.1.
Variant type: Duplication.
Coding change: c.6789-19_6789-18dup on transcript NM_003126.4 (MANE Select); 19 bases into the intron before coding-DNA position 6789 through 18 bases into the intron before coding-DNA position 6789, 2 bases duplicated (TT; older notation c.6789-19_6789-18dupTT).
Molecular consequence: intron variant.
Genome position (GRCh38, 1-based): chr1:158,614,314-158,614,315, AA duplicated on the plus strand (TT on the coding strand, the reverse complement: SPTA1 is on the minus strand); duplicating any 2 consecutive bases within chr1:158,614,314-158,614,325 gives the same sequence; the c. name uses the placement nearest the transcript's 3' end. VCF-style (leftmost placement, unchanged base first): chr1-158614313-G-GAA. GRCh37 (hg19) VCF-style: chr1-158584103-G-GAA.
Other names: p.?; c.6789-9_6789-8dup (NM_003126.4).
Identifiers: ClinVar variation 292947 (VCV000292947.20), dbSNP rs5778083, ClinGen allele CA1181841.
Genomic context (GRCh38, chr1:158,614,313, plus strand): 5'-TTATAGATTGTGCTAAATTCCTTTAGAGTCTCTTCACTCACACCTTTGATGTCCCTGAAA[G>GAA]AAAAAAAAAAAACATGAATTTTCCCTGTATATGAAACACAGGTTAGCAGAACACAAGCCA-3'

ClinVar aggregate classification (germline): Benign/Likely benign. Review status: criteria provided, multiple submitters, no conflicts (2 of 4 stars). 5 submissions from 5 submitters: Benign (2); Likely benign (1). 2 of the submissions do not count toward it. Last evaluated 2026-02-01.

Submissions (5):

Labcorp Genetics (formerly Invitae), Labcorp
Classification: Benign. Last evaluated: 2026-02-01. Review status: criteria provided, single submitter. Criteria: Invitae Variant Classification Sherloc (09022015). Collection method: clinical testing. Allele origin: germline.

Blueprint Genetics
Classification: Likely benign. Last evaluated: 2024-11-26. Review status: criteria provided, single submitter. Criteria: ACMG Guidelines, 2015. Collection method: clinical testing. Allele origin: germline.

Mayo Clinic Laboratories, Mayo Clinic
Classification: Benign. Last evaluated: 2022-05-13. Review status: criteria provided, single submitter. Criteria: ACMG Guidelines, 2015. Collection method: clinical testing. Allele origin: germline. Observed: 819 variant alleles.
Comment: BS1, BS2

Diagnostic Laboratory, Department of Genetics, University Medical Center Groningen
Classification: Benign. Review status: no assertion criteria provided. Collection method: clinical testing. Allele origin: germline. Affected: yes. Study: VKGL Data-share Consensus. Not counted in ClinVar's aggregate classification.

Genome Diagnostics Laboratory, University Medical Center Utrecht
Classification: Benign. Review status: no assertion criteria provided. Collection method: clinical testing. Allele origin: germline. Affected: yes. Study: VKGL Data-share Consensus. Not counted in ClinVar's aggregate classification.